The following is an entry in ClinVar:

NM_024757.5(EHMT1):c.2081A>G (p.Glu694Gly)

Gene: EHMT1 (euchromatic histone lysine methyltransferase 1; plus strand). Cytogenetic location: 9q34.3.
Variant type: single nucleotide variant.
Coding change: c.2081A>G on transcript NM_024757.5 (MANE Select); coding-DNA position 2081, A replaced by G.
Protein change: p.Glu694Gly; replaces glutamic acid 694 with glycine.
Molecular consequence: missense variant.
Genome position (GRCh38, 1-based): chr9:137,777,944, A>G. VCF-style: chr9-137777944-A-G. GRCh37 (hg19) VCF-style: chr9-140672396-A-G.
Other names: c.2081A>G, p.Glu694Gly (NM_001145527.2); c.1988A>G, p.Glu663Gly (NM_001354259.2); c.2060A>G, p.Glu687Gly (NM_001354263.2); short protein forms E663G, E687G, E694G.
Identifiers: ClinVar variation 3627342 (VCV003627342.2).

ClinVar aggregate classification (germline): Uncertain significance (1 of 4 stars; one submission).

Conditions:
Kleefstra syndrome 1 (KLEFS1). Identifiers: Orphanet 261494, MedGen C0795833, MONDO:0027407, OMIM 610253.

Submission:

Labcorp Genetics (formerly Invitae), Labcorp
Classification: Uncertain significance for Kleefstra syndrome 1. Last evaluated: 2024-10-21. Review status: criteria provided, single submitter. Criteria: Invitae Variant Classification Sherloc (09022015). Collection method: clinical testing. Allele origin: germline.
Comment: This sequence change replaces glutamic acid, which is acidic and polar, with glycine, which is neutral and non-polar, at codon 694 of the EHMT1 protein (p.Glu694Gly). This variant is not present in population databases (gnomAD no frequency). This variant has not been reported in the literature in individuals affected with EHMT1-related conditions. Invitae Evidence Modeling of protein sequence and biophysical properties (such as structural, functional, and spatial information, amino acid conservation, physicochemical variation, residue mobility, and thermodynamic stability) indicates that this missense variant is not expected to disrupt EHMT1 protein function with a negative predictive value of 80%. In summary, the available evidence is currently insufficient to determine the role of this variant in disease. Therefore, it has been classified as a Variant of Uncertain Significance.